The following is an entry in ClinVar:

NM_004655.4(AXIN2):c.1557C>G (p.Ile519Met)

Gene: AXIN2 (axin 2; minus strand). Cytogenetic location: 17q24.1.
Variant type: single nucleotide variant.
Coding change: c.1557C>G on transcript NM_004655.4 (MANE Select); coding-DNA position 1557, C replaced by G.
Protein change: p.Ile519Met; replaces isoleucine 519 with methionine.
Molecular consequence: missense variant.
Genome position (GRCh38, 1-based): chr17:65,537,479, G>C on the plus strand (C>G on the coding strand, the complement: AXIN2 is on the minus strand). VCF-style: chr17-65537479-G-C. GRCh37 (hg19) VCF-style: chr17-63533597-G-C.
Other names: p.I519M:ATC>ATG; c.1557C>G, p.Ile519Met (NM_001363813.1); c.1557C>G (LRG_296t1); short protein forms I519M.
Identifiers: ClinVar variation 127936 (VCV000127936.26), dbSNP rs374444786, ClinGen allele CA288083.
Genomic context (GRCh38, chr17:65,537,479, plus strand): 5'-CACCCGCTGCGTGGCCTCCGCCTCGATCTCCTCCTTGGTCTTGGGGACGGCATGGTGGTG[G>C]ATGTAGTGGTGGTGGACATGCTTCGTCGTCTGCTTGGTCACAAAGCCTTTGCCCCCGAGG-3'
Protein context (NP_004646.3, residues 509-529): QTTKHVHHHY[Ile519Met]HHHAVPKTKE

ClinVar aggregate classification (germline): Conflicting classifications of pathogenicity. Review status: criteria provided, conflicting classifications (1 of 4 stars). 8 submissions from 8 submitters: Uncertain significance (7); Likely benign (1). Last evaluated 2026-03-27.

Conditions:
Colorectal cancer. Also called: Colorectal cancer, somatic; Malignant Colorectal Neoplasm. Identifiers: MedGen C0346629, MONDO:0005575, OMIM 114500.
Hereditary cancer-predisposing syndrome. Also called: Neoplastic Syndromes, Hereditary; Hereditary Cancer Syndrome; Tumor predisposition; Hereditary neoplastic syndrome. Identifiers: Orphanet 140162, MedGen C0027672, MeSH D009386, MONDO:0015356.
Oligodontia-cancer predisposition syndrome. Also called: TOOTH AGENESIS-COLORECTAL CANCER SYNDROME. Identifiers: Orphanet 300576, MedGen C1837750, MONDO:0012075, OMIM 608615. Disease mechanism: loss of function.

Allele frequency attached by ClinVar (database versions not stated): ExAC 0.00002; gnomAD 0.00002; TOPMed 0.00002; ESP Exome Variant Server 0.00008.
gnomAD v4.1: 79 of 1,613,804 alleles (0.0049%); highest among the groups gnomAD compares: Non-Finnish European, 0.0062%; no homozygotes.

Submissions (8):

Ambry Genetics
Classification: Likely benign for Hereditary cancer-predisposing syndrome. Last evaluated: 2026-03-27. Review status: criteria provided, single submitter. Criteria: Ambry Variant Classification Scheme 2023. Collection method: clinical testing. Allele origin: germline.

Center for Genomic Medicine, Rigshospitalet, Copenhagen University Hospital
Classification: Uncertain significance. Last evaluated: 2025-12-29. Review status: criteria provided, single submitter. Criteria: ACMG Guidelines, 2015. Collection method: clinical testing. Allele origin: germline.

Labcorp Genetics (formerly Invitae), Labcorp
Classification: Uncertain significance for Oligodontia-cancer predisposition syndrome. Last evaluated: 2025-12-26. Review status: criteria provided, single submitter. Criteria: Invitae Variant Classification Sherloc (09022015). Collection method: clinical testing. Allele origin: germline.
Comment: This sequence change replaces isoleucine, which is neutral and non-polar, with methionine, which is neutral and non-polar, at codon 519 of the AXIN2 protein (p.Ile519Met). This variant is present in population databases (rs374444786, gnomAD 0.004%). This variant has not been reported in the literature in individuals affected with AXIN2-related conditions. ClinVar contains an entry for this variant (Variation ID: 127936). An algorithm developed to predict the effect of missense changes on protein structure and function (PolyPhen-2) suggests that this variant is likely to be disruptive. In summary, the available evidence is currently insufficient to determine the role of this variant in disease. Therefore, it has been classified as a Variant of Uncertain Significance.

Dasa
Classification: Uncertain significance. Last evaluated: 2025-11-03. Review status: criteria provided, single submitter. Criteria: DASA Assertion Criteria. Collection method: clinical testing. Allele origin: germline.
Comment: NM_004655.4(AXIN2):c.1557C>G (p.Ile519Met) is a missense variant that results in the substitution of isoleucine with methionine. This variant is rare in population databases. The currently available literature and clinical evidence are not sufficient to establish a definitive association between this variant and the reported condition. Therefore, this variant is classified as a variant of uncertain significance.

GeneDx
Classification: Uncertain significance. Last evaluated: 2024-02-21. Review status: criteria provided, single submitter. Criteria: GeneDx Variant Classification Process June 2021. Collection method: clinical testing. Allele origin: germline. Affected: yes.
Comment: Not observed at significant frequency in large population cohorts (gnomAD); In silico analysis supports that this missense variant does not alter protein structure/function; Has not been previously published as pathogenic or benign to our knowledge

Baylor Genetics
Classification: Uncertain significance for Colorectal cancer. Last evaluated: 2023-12-27. Review status: criteria provided, single submitter. Criteria: ACMG Guidelines, 2015. Collection method: clinical testing. Allele origin: unknown.

Sema4
Classification: Uncertain significance for Hereditary cancer-predisposing syndrome. Last evaluated: 2021-11-26. Review status: criteria provided, single submitter. Criteria: Sema4 Curation Guidelines. Collection method: curation. Allele origin: germline.
Comment: The AXIN2 c.1557C>G (p.I519M) variant has not been reported in the literature to our knowledge. It has been observed in 5/282754 chromosomes from a large and broad populations by the Genome Aggregation Database (PMID: 32461654). This variant has been reported in ClinVar (Variation ID 127936). Functional studies have not been performed, and in silico predictions of the variant's effect on protein function are inconclusive. The evidence is insufficient to meet ACMG/AMP criteria for classifying the variant as benign or pathogenic. Thus, the clinical significance of this variant is currently uncertain.

Quest Diagnostics Nichols Institute San Juan Capistrano
Classification: Uncertain significance. Last evaluated: 2021-09-03. Review status: criteria provided, single submitter. Criteria: Quest Diagnostics criteria. Collection method: clinical testing. Allele origin: unknown.